The following is an entry in ClinVar:

NM_005996.4(TBX3):c.1991_2005del (p.Val664_Ser668del)

Gene: TBX3 (T-box transcription factor 3; minus strand). Cytogenetic location: 12q24.21.
Variant type: Deletion.
Coding change: c.1991_2005del on transcript NM_005996.4 (MANE Select); coding-DNA positions 1991 to 2005, 15 bases deleted (TGGCAGTGGACTCGG).
Protein change: p.Val664_Ser668del.
Genome position (GRCh38, 1-based): chr12:114,672,008-114,672,022, CCGAGTCCACTGCCA deleted on the plus strand (TGGCAGTGGACTCGG on the coding strand, the reverse complement: TBX3 is on the minus strand); deleting any 15 consecutive bases within chr12:114,672,008-114,672,027 gives the same sequence; the c. name uses the placement nearest the transcript's 3' end. VCF-style (leftmost placement, unchanged base first): chr12-114672007-CCCGAGTCCACTGCCA-C. GRCh37 (hg19) VCF-style: chr12-115109812-CCCGAGTCCACTGCCA-C.
Other names: c.2051_2065del, p.Val684_Ser688del (NM_016569.4).
Identifiers: ClinVar variation 3055823 (VCV003055823.2), dbSNP rs1565858049, ClinGen allele CA608055447.

ClinVar aggregate classification (germline): Uncertain significance (0 of 4 stars; one submission).

Conditions:
TBX3-related disorder. Also called: TBX3-related condition.

Submission:

PreventionGenetics, part of Exact Sciences
Classification: Uncertain significance for TBX3-related condition. Last evaluated: 2024-02-21. Review status: no assertion criteria provided. Collection method: clinical testing. Allele origin: germline.
Comment: The TBX3 c.2051_2065del15 variant is predicted to result in an in-frame deletion (p.Val684_Ser688del). To our knowledge, this variant has not been reported in the literature. This variant is reported in 0.012% of alleles in individuals of East Asian descent in gnomAD. At this time, the clinical significance of this variant is uncertain due to the absence of conclusive functional and genetic evidence.